The following is an entry in ClinVar:

ClinVar aggregate classification (germline): Uncertain significance (1 of 4 stars; one submission).

Allele frequency attached by ClinVar (database versions not stated): TOPMed below 0.00001; gnomAD 0.00001; gnomAD exomes 0.00001; ExAC 0.00002; ESP Exome Variant Server 0.00008; 1000 Genomes Project 30x 0.00016; 1000 Genomes Project 0.00020.
gnomAD v4.1: 16 of 1,614,034 alleles (0.00099%); highest among the groups gnomAD compares: Middle Eastern, 0.017%; no homozygotes.

Submission:

Ambry Genetics
Classification: Uncertain significance. Last evaluated: 2023-10-13. Review status: criteria provided, single submitter. Criteria: Ambry Variant Classification Scheme 2023. Collection method: clinical testing. Allele origin: germline.
Comment: The p.R35W variant (also known as c.103C>T), located in coding exon 3 of the RAD54L gene, results from a C to T substitution at nucleotide position 103. The arginine at codon 35 is replaced by tryptophan, an amino acid with dissimilar properties. This amino acid position is conserved. In addition, this alteration is predicted to be tolerated by in silico analysis. Since supporting evidence is limited at this time, the clinical significance of this alteration remains unclear.

NM_003579.4(RAD54L):c.103C>T (p.Arg35Trp)

Gene: RAD54L (RAD54 like; plus strand). Cytogenetic location: 1p34.1.
Variant type: single nucleotide variant.
Coding change: c.103C>T on transcript NM_003579.4 (MANE Select); coding-DNA position 103, C replaced by T.
Protein change: p.Arg35Trp; replaces arginine 35 with tryptophan.
Molecular consequence: missense variant. On other transcripts: 5 prime UTR variant (1).
Genome position (GRCh38, 1-based): chr1:46,250,012, C>T. VCF-style: chr1-46250012-C-T. GRCh37 (hg19) VCF-style: chr1-46715684-C-T.
Other names: c.103C>T, p.Arg35Trp (NM_001142548.2); c.-438C>T (NM_001370766.1); short protein forms R35W.
Identifiers: ClinVar variation 1773670 (VCV001773670.2), dbSNP rs369982284, ClinGen allele CA834146.